The following is an entry in ClinVar:

NM_001042750.2(STAG2):c.2222T>A (p.Ile741Asn)

Gene: STAG2 (STAG2 cohesin complex component; plus strand). Cytogenetic location: Xq25.
Variant type: single nucleotide variant.
Coding change: c.2222T>A on transcript NM_001042750.2 (MANE Select); coding-DNA position 2222, T replaced by A.
Protein change: p.Ile741Asn; replaces isoleucine 741 with asparagine.
Molecular consequence: missense variant.
Genome position (GRCh38, 1-based): chrX:124,066,393, T>A. VCF-style: chrX-124066393-T-A. GRCh37 (hg19) VCF-style: chrX-123200243-T-A.
Other names: c.2222T>A, p.Ile741Asn (NM_001042749.2, NM_001042751.2, NM_001282418.2 and 13 more transcripts); short protein forms I741N.
Identifiers: ClinVar variation 3360237 (VCV003360237.1).

ClinVar aggregate classification (germline): Uncertain significance (1 of 4 stars; one submission).

gnomAD v4.1: 2 of 1,209,696 alleles (0.00017%); highest among the groups gnomAD compares: Non-Finnish European, 0.00022%; no homozygotes.

Submission:

GeneDx
Classification: Uncertain significance. Last evaluated: 2023-06-22. Review status: criteria provided, single submitter. Criteria: GeneDx Variant Classification Process June 2021. Collection method: clinical testing. Allele origin: germline. Affected: yes.
Comment: In silico analysis supports that this missense variant has a deleterious effect on protein structure/function; Has not been previously published as pathogenic or benign to our knowledge